The following is an entry in ClinVar:

ClinVar aggregate classification (germline): Uncertain significance (1 of 4 stars; one submission).

Submission:

Labcorp Genetics (formerly Invitae), Labcorp
Classification: Uncertain significance. Last evaluated: 2022-06-23. Review status: criteria provided, single submitter. Criteria: Invitae Variant Classification Sherloc (09022015). Collection method: clinical testing. Allele origin: germline.
Comment: In summary, the available evidence is currently insufficient to determine the role of this variant in disease. Therefore, it has been classified as a Variant of Uncertain Significance. Algorithms developed to predict the effect of missense changes on protein structure and function are either unavailable or do not agree on the potential impact of this missense change (SIFT: "Tolerated"; PolyPhen-2: "Not Available"; Align-GVGD: "Class C0"). This variant has not been reported in the literature in individuals affected with KMT2B-related conditions. This variant is not present in population databases (gnomAD no frequency). This sequence change replaces aspartic acid, which is acidic and polar, with asparagine, which is neutral and polar, at codon 1321 of the KMT2B protein (p.Asp1321Asn).

NM_014727.3(KMT2B):c.3961G>A (p.Asp1321Asn)

Gene: KMT2B (lysine methyltransferase 2B; plus strand). Cytogenetic location: 19q13.12.
Variant type: single nucleotide variant.
Coding change: c.3961G>A on transcript NM_014727.3 (MANE Select); coding-DNA position 3961, G replaced by A.
Protein change: p.Asp1321Asn; replaces aspartic acid 1321 with asparagine.
Molecular consequence: missense variant.
Genome position (GRCh38, 1-based): chr19:35,726,311, G>A. VCF-style: chr19-35726311-G-A. GRCh37 (hg19) VCF-style: chr19-36217212-G-A.
Other names: short protein forms D1321N.
Identifiers: ClinVar variation 2009777 (VCV002009777.4), dbSNP rs1375822156, ClinGen allele CA405411707.